The following is an entry in ClinVar:

ClinVar aggregate classification (germline): Uncertain significance. Review status: criteria provided, multiple submitters, no conflicts (2 of 4 stars). 3 submissions from 3 submitters: Uncertain significance (3). Last evaluated 2025-04-23.

Conditions:
Early Myoclonic Encephalopathy. Identifiers: MedGen C0270855.

Allele frequency attached by ClinVar (database versions not stated): gnomAD exomes 0.00023 and 0.00010; TOPMed 0.00015; gnomAD 0.00017 and 0.00018; ExAC 0.00009.
gnomAD v4.1: 366 of 1,595,670 alleles (0.023%); highest among the groups gnomAD compares: Non-Finnish European, 0.029%; no homozygotes.

Submissions (3):

Labcorp Genetics (formerly Invitae), Labcorp
Classification: Uncertain significance for Early Myoclonic Encephalopathy. Last evaluated: 2025-04-23. Review status: criteria provided, single submitter. Criteria: Invitae Variant Classification Sherloc (09022015). Collection method: clinical testing. Allele origin: germline.
Comment: This sequence change replaces leucine, which is neutral and non-polar, with arginine, which is basic and polar, at codon 362 of the JMJD1C protein (p.Leu362Arg). This variant is present in population databases (rs770912020, gnomAD 0.02%). This variant has not been reported in the literature in individuals affected with JMJD1C-related conditions. ClinVar contains an entry for this variant (Variation ID: 659177). Invitae Evidence Modeling of protein sequence and biophysical properties (such as structural, functional, and spatial information, amino acid conservation, physicochemical variation, residue mobility, and thermodynamic stability) indicates that this missense variant is expected to disrupt JMJD1C protein function with a positive predictive value of 80%. In summary, the available evidence is currently insufficient to determine the role of this variant in disease. Therefore, it has been classified as a Variant of Uncertain Significance.

Ambry Genetics
Classification: Uncertain significance. Last evaluated: 2025-04-10. Review status: criteria provided, single submitter. Criteria: Ambry Variant Classification Scheme 2023. Collection method: clinical testing. Allele origin: germline.

Breakthrough Genomics
Classification: Uncertain significance. Review status: criteria provided, single submitter. Criteria: ACMG Guidelines, 2015. Collection method: not provided. Allele origin: germline. Inheritance: Unknown mechanism. Affected: yes.

NM_032776.3(JMJD1C):c.1085T>G (p.Leu362Arg)

Gene: JMJD1C (jumonji domain containing 1C; minus strand). Cytogenetic location: 10q21.3.
Variant type: single nucleotide variant.
Coding change: c.1085T>G on transcript NM_032776.3 (MANE Select); coding-DNA position 1085, T replaced by G.
Protein change: p.Leu362Arg; replaces leucine 362 with arginine.
Molecular consequence: missense variant. On other transcripts: non-coding transcript variant (1).
Genome position (GRCh38, 1-based): chr10:63,215,082, A>C on the plus strand (T>G on the coding strand, the complement: JMJD1C is on the minus strand). VCF-style: chr10-63215082-A-C. GRCh37 (hg19) VCF-style: chr10-64974842-A-C.
Other names: c.539T>G, p.Leu180Arg (NM_001282948.2, NM_001318154.2); c.221T>G, p.Leu74Arg (NM_001318153.2); c.971T>G, p.Leu324Arg (NM_001322252.2); c.428T>G, p.Leu143Arg (NM_001322254.2, NM_001322258.2); c.1085T>G (NM_032776.1); short protein forms L143R, L180R, L362R, L74R, L324R.
Identifiers: ClinVar variation 659177 (VCV000659177.13), dbSNP rs770912020, ClinGen allele CA5518865.